The following is an entry in ClinVar:

ClinVar aggregate classification (germline): Uncertain significance. Review status: criteria provided, multiple submitters, no conflicts (2 of 4 stars). 4 submissions from 4 submitters: Uncertain significance (4). Last evaluated 2024-12-16.

Conditions:
Hereditary cancer-predisposing syndrome. Also called: Neoplastic Syndromes, Hereditary; Tumor predisposition; Hereditary Cancer Syndrome; Hereditary neoplastic syndrome. Identifiers: Orphanet 140162, MedGen C0027672, MeSH D009386, MONDO:0015356.

Allele frequency attached by ClinVar (database versions not stated): gnomAD exomes below 0.00001; TOPMed below 0.00001.
gnomAD v4.1: 2 of 1,613,772 alleles (0.00012%); highest among the groups gnomAD compares: Non-Finnish European, 0.00017%; no homozygotes.

Submissions (4):

GeneDx
Classification: Uncertain significance. Last evaluated: 2024-12-16. Review status: criteria provided, single submitter. Criteria: GeneDx Variant Classification Process June 2021. Collection method: clinical testing. Allele origin: germline. Affected: yes.
Comment: Not observed at significant frequency in large population cohorts (gnomAD); In silico analysis indicates that this missense variant does not alter protein structure/function; Has not been previously published as pathogenic or benign to our knowledge

Ambry Genetics
Classification: Uncertain significance for Hereditary cancer-predisposing syndrome. Last evaluated: 2024-12-14. Review status: criteria provided, single submitter. Criteria: Ambry Variant Classification Scheme 2023. Collection method: clinical testing. Allele origin: germline.
Comment: The p.A471E variant (also known as c.1412C>A), located in coding exon 9 of the MSH3 gene, results from a C to A substitution at nucleotide position 1412. The alanine at codon 471 is replaced by glutamic acid, an amino acid with dissimilar properties. This amino acid position is poorly conserved in available vertebrate species. In addition, this alteration is predicted to be tolerated by in silico analysis. Since supporting evidence is limited at this time, the clinical significance of this alteration remains unclear.

Labcorp Genetics (formerly Invitae), Labcorp
Classification: Uncertain significance. Last evaluated: 2024-09-01. Review status: criteria provided, single submitter. Criteria: Invitae Variant Classification Sherloc (09022015). Collection method: clinical testing. Allele origin: germline.
Comment: This sequence change replaces alanine, which is neutral and non-polar, with glutamic acid, which is acidic and polar, at codon 471 of the MSH3 protein (p.Ala471Glu). This variant is present in population databases (no rsID available, gnomAD 0.0009%). This variant has not been reported in the literature in individuals affected with MSH3-related conditions. ClinVar contains an entry for this variant (Variation ID: 640490). An algorithm developed to predict the effect of missense changes on protein structure and function outputs the following: PolyPhen-2: "Benign". The glutamic acid amino acid residue is found in multiple mammalian species, which suggests that this missense change does not adversely affect protein function. In summary, the available evidence is currently insufficient to determine the role of this variant in disease. Therefore, it has been classified as a Variant of Uncertain Significance.

Quest Diagnostics Nichols Institute San Juan Capistrano
Classification: Uncertain significance. Last evaluated: 2024-02-06. Review status: criteria provided, single submitter. Criteria: Quest Diagnostics criteria. Collection method: clinical testing. Allele origin: unknown.
Comment: The MSH3 c.1412C>A (p.Ala471Glu) variant has not been reported in individuals with MSH3-related conditions in the published literature. The frequency of this variant in the general population, 0.000004 (1/251328 chromosomes (Genome Aggregation Database)), is uninformative in the assessment of its pathogenicity. Analysis of this variant using bioinformatics tools for the prediction of the effect of amino acid changes on protein structure and function yielded predictions that this variant is benign. Based on the available information, we are unable to determine the clinical significance of this variant.

NM_002439.5(MSH3):c.1412C>A (p.Ala471Glu)

Gene: MSH3 (mutS homolog 3; plus strand). Cytogenetic location: 5q14.1.
Variant type: single nucleotide variant.
Coding change: c.1412C>A on transcript NM_002439.5 (MANE Select); coding-DNA position 1412, C replaced by A.
Protein change: p.Ala471Glu; replaces alanine 471 with glutamic acid.
Molecular consequence: missense variant.
Genome position (GRCh38, 1-based): chr5:80,725,524, C>A. VCF-style: chr5-80725524-C-A. GRCh37 (hg19) VCF-style: chr5-80021343-C-A.
Other names: short protein forms A471E.
Identifiers: ClinVar variation 640490 (VCV000640490.14), dbSNP rs1353600849, ClinGen allele CA360273607.
Genomic context (GRCh38, chr5:80,725,524, plus strand): 5'-ACAGAATTCGAGTCGAAAGGATGGATAACATTTATTTTGAATACAGCCATGCTTTCCAGG[C>A]AGTTACAGAGTTTTATGCAAAAGATACAGTTGACATCAAAGGTAAATATTTTCCCTGTAT-3'
Protein context (NP_002430.3, residues 461-481): IYFEYSHAFQ[Ala471Glu]VTEFYAKDTV